The following is an entry in ClinVar:

NM_017514.5(PLXNA3):c.2830C>T (p.Arg944Cys)

Gene: PLXNA3 (plexin A3; plus strand). Cytogenetic location: Xq28.
Variant type: single nucleotide variant.
Coding change: c.2830C>T on transcript NM_017514.5 (MANE Select); coding-DNA position 2830, C replaced by T.
Protein change: p.Arg944Cys; replaces arginine 944 with cysteine.
Molecular consequence: missense variant.
Genome position (GRCh38, 1-based): chrX:154,466,406, C>T. VCF-style: chrX-154466406-C-T. GRCh37 (hg19) VCF-style: chrX-153694749-C-T.
Other names: short protein forms R944C.
Identifiers: ClinVar variation 3047484 (VCV003047484.2), dbSNP rs145388937, ClinGen allele CA10564496.

ClinVar aggregate classification (germline): Uncertain significance (0 of 4 stars; one submission).

Conditions:
PLXNA3-related disorder. Also called: PLXNA3-related condition.

Allele frequency attached by ClinVar (database versions not stated): ExAC 0.00003; gnomAD 0.00003; TOPMed 0.00003; ESP Exome Variant Server 0.00019.
gnomAD v4.1: 15 of 1,210,188 alleles (0.0012%); highest among the groups gnomAD compares: South Asian, 0.0018%; no homozygotes.

Submission:

PreventionGenetics, part of Exact Sciences
Classification: Uncertain significance for PLXNA3-related condition. Last evaluated: 2024-06-04. Review status: no assertion criteria provided. Collection method: clinical testing. Allele origin: germline.
Comment: The PLXNA3 c.2830C>T variant is predicted to result in the amino acid substitution p.Arg944Cys. To our knowledge, this variant has not been reported in the literature. This variant is reported in 0.0068% of alleles in individuals of East Asian descent in gnomAD. At this time, the clinical significance of this variant is uncertain due to the absence of conclusive functional and genetic evidence.